The following is an entry in ClinVar:

NM_013254.4(TBK1):c.422T>C (p.Ile141Thr)

Gene: TBK1 (TANK binding kinase 1; plus strand). Cytogenetic location: 12q14.2.
Variant type: single nucleotide variant.
Coding change: c.422T>C on transcript NM_013254.4 (MANE Select); coding-DNA position 422, T replaced by C.
Protein change: p.Ile141Thr; replaces isoleucine 141 with threonine.
Molecular consequence: missense variant.
Genome position (GRCh38, 1-based): chr12:64,466,964, T>C. VCF-style: chr12-64466964-T-C. GRCh37 (hg19) VCF-style: chr12-64860744-T-C.
Other names: short protein forms I141T.
Identifiers: ClinVar variation 2734582 (VCV002734582.3), dbSNP rs1440339267, ClinGen allele CA385596016.

ClinVar aggregate classification (germline): Uncertain significance (1 of 4 stars; one submission).

Conditions:
Frontotemporal dementia and/or amyotrophic lateral sclerosis 4. Also called: FTDALS4. Identifiers: Orphanet 275872, MedGen C4225325, MONDO:0014641, OMIM 616439.

Allele frequency attached by ClinVar (database versions not stated): TOPMed 0.00001.
gnomAD v4.1: 3 of 1,612,944 alleles (0.00019%); highest among the groups gnomAD compares: Admixed American, 0.0017%; no homozygotes.

Submission:

Labcorp Genetics (formerly Invitae), Labcorp
Classification: Uncertain significance for Frontotemporal dementia and/or amyotrophic lateral sclerosis 4. Last evaluated: 2024-11-12. Review status: criteria provided, single submitter. Criteria: Invitae Variant Classification Sherloc (09022015). Collection method: clinical testing. Allele origin: germline.
Comment: This sequence change replaces isoleucine, which is neutral and non-polar, with threonine, which is neutral and polar, at codon 141 of the TBK1 protein (p.Ile141Thr). This variant is present in population databases (no rsID available, gnomAD 0.003%). This variant has not been reported in the literature in individuals affected with TBK1-related conditions. ClinVar contains an entry for this variant (Variation ID: 2734582). Invitae Evidence Modeling of protein sequence and biophysical properties (such as structural, functional, and spatial information, amino acid conservation, physicochemical variation, residue mobility, and thermodynamic stability) indicates that this missense variant is expected to disrupt TBK1 protein function with a positive predictive value of 95%. In summary, the available evidence is currently insufficient to determine the role of this variant in disease. Therefore, it has been classified as a Variant of Uncertain Significance.